The following is an entry in ClinVar:

ClinVar aggregate classification (germline): Likely benign. Review status: criteria provided, multiple submitters, no conflicts (2 of 4 stars). 5 submissions from 5 submitters: Likely benign (4). 1 of the submissions does not count toward it. Last evaluated 2026-01-01.

Conditions:
Usher syndrome type 1 (USH1). Also called: RETINITIS PIGMENTOSA AND CONGENITAL DEAFNESS. Identifiers: Orphanet 231169, Orphanet 886, MedGen C1568247, MONDO:0010168, OMIM 276900.
CDH23-related disorder. Also called: CDH23-related disorders; CDH23-related condition.

Allele frequency attached by ClinVar (database versions not stated): gnomAD exomes 0.00001 and 0.00004; ExAC 0.00006; TOPMed 0.00017; gnomAD 0.00018 and 0.00019; 1000 Genomes Project 0.00020; 1000 Genomes Project 30x 0.00047.
gnomAD v4.1: 47 of 1,613,940 alleles (0.0029%); highest among the groups gnomAD compares: African/African-American, 0.057%; no homozygotes.

Submissions (5):

Labcorp Genetics (formerly Invitae), Labcorp
Classification: Likely benign. Last evaluated: 2026-01-01. Review status: criteria provided, single submitter. Criteria: Invitae Variant Classification Sherloc (09022015). Collection method: clinical testing. Allele origin: germline.

PreventionGenetics, part of Exact Sciences
Classification: Likely benign for CDH23-related condition. Last evaluated: 2025-06-25. Review status: criteria provided, single submitter. Criteria: ACMG Guidelines, 2015. Collection method: clinical testing. Allele origin: germline.
Comment: This variant is classified as likely benign based on ACMG/AMP sequence variant interpretation guidelines (Richards et al. 2015 PMID: 25741868, with internal and published modifications).

Blueprint Genetics
Classification: Likely benign. Last evaluated: 2021-12-10. Review status: criteria provided, single submitter. Criteria: ACMG Guidelines, 2015. Collection method: clinical testing. Allele origin: germline.

GeneDx
Classification: Likely benign. Last evaluated: 2021-05-19. Review status: criteria provided, single submitter. Criteria: GeneDx Variant Classification Process June 2021. Collection method: clinical testing. Allele origin: germline. Affected: yes.

Natera, Inc.
Classification: Likely benign for Usher syndrome type 1. Last evaluated: 2020-02-28. Review status: no assertion criteria provided. Collection method: clinical testing. Allele origin: germline. Not counted in ClinVar's aggregate classification.

NM_022124.6(CDH23):c.4542G>A (p.Gln1514=)

Gene: CDH23 (cadherin related 23; plus strand). Cytogenetic location: 10q22.1.
Variant type: single nucleotide variant.
Coding change: c.4542G>A on transcript NM_022124.6 (MANE Select); coding-DNA position 4542, G replaced by A.
Protein change: p.Gln1514=; no amino-acid change (glutamine 1514 retained).
Molecular consequence: synonymous variant.
Genome position (GRCh38, 1-based): chr10:71,740,875, G>A. VCF-style: chr10-71740875-G-A. GRCh37 (hg19) VCF-style: chr10-73500632-G-A.
Identifiers: ClinVar variation 766661 (VCV000766661.15), dbSNP rs559831834, ClinGen allele CA5545087.